The following is an entry in ClinVar:

NM_003801.4(GPAA1):c.4G>A (p.Gly2Ser)

Genes: GPAA1 (glycosylphosphatidylinositol anchor attachment 1; plus strand), LOC130001364 (ATAC-STARR-seq lymphoblastoid silent region 19654; plus strand). Cytogenetic location: 8q24.3.
Variant type: single nucleotide variant.
Coding change: c.4G>A on transcript NM_003801.4 (MANE Select); coding-DNA position 4, G replaced by A.
Protein change: p.Gly2Ser; replaces glycine 2 with serine.
Molecular consequence: missense variant.
Genome position (GRCh38, 1-based): chr8:144,082,734, G>A. VCF-style: chr8-144082734-G-A. GRCh37 (hg19) VCF-style: chr8-145137637-G-A.
Other names: short protein forms G2S.
Identifiers: ClinVar variation 3663794 (VCV003663794.2).

ClinVar aggregate classification (germline): Uncertain significance (1 of 4 stars; one submission).

Submission:

Labcorp Genetics (formerly Invitae), Labcorp
Classification: Uncertain significance. Last evaluated: 2024-08-28. Review status: criteria provided, single submitter. Criteria: Invitae Variant Classification Sherloc (09022015). Collection method: clinical testing. Allele origin: germline.
Comment: This sequence change replaces glycine, which is neutral and non-polar, with serine, which is neutral and polar, at codon 2 of the GPAA1 protein (p.Gly2Ser). This variant is not present in population databases (gnomAD no frequency). This variant has not been reported in the literature in individuals affected with GPAA1-related conditions. An algorithm developed to predict the effect of missense changes on protein structure and function (PolyPhen-2) suggests that this variant is likely to be disruptive. In summary, the available evidence is currently insufficient to determine the role of this variant in disease. Therefore, it has been classified as a Variant of Uncertain Significance.